The following is an entry in ClinVar:

NM_004706.4(ARHGEF1):c.406C>T (p.Arg136Trp)

Gene: ARHGEF1 (Rho guanine nucleotide exchange factor 1; plus strand). Cytogenetic location: 19q13.2.
Variant type: single nucleotide variant.
Coding change: c.406C>T on transcript NM_004706.4 (MANE Select); coding-DNA position 406, C replaced by T.
Protein change: p.Arg136Trp; replaces arginine 136 with tryptophan.
Molecular consequence: missense variant.
Genome position (GRCh38, 1-based): chr19:41,892,641, C>T. VCF-style: chr19-41892641-C-T. GRCh37 (hg19) VCF-style: chr19-42396712-C-T.
Other names: c.307C>T, p.Arg103Trp (NM_198977.2); c.451C>T, p.Arg151Trp (NM_199002.2); short protein forms R103W, R151W, R136W.
Identifiers: ClinVar variation 1488442 (VCV001488442.8), dbSNP rs782379982, ClinGen allele CA9465907.

ClinVar aggregate classification (germline): Uncertain significance (1 of 4 stars; one submission).

Allele frequency attached by ClinVar (database versions not stated): ExAC 0.00001; gnomAD exomes 0.00001.
gnomAD v4.1: 27 of 1,611,680 alleles (0.0017%); highest among the groups gnomAD compares: African/African-American, 0.004%; no homozygotes.

Submission:

Labcorp Genetics (formerly Invitae), Labcorp
Classification: Uncertain significance. Last evaluated: 2022-10-09. Review status: criteria provided, single submitter. Criteria: Invitae Variant Classification Sherloc (09022015). Collection method: clinical testing. Allele origin: germline.
Comment: In summary, the available evidence is currently insufficient to determine the role of this variant in disease. Therefore, it has been classified as a Variant of Uncertain Significance. This sequence change replaces arginine, which is basic and polar, with tryptophan, which is neutral and slightly polar, at codon 151 of the ARHGEF1 protein (p.Arg151Trp). Algorithms developed to predict the effect of missense changes on protein structure and function are either unavailable or do not agree on the potential impact of this missense change (SIFT: "Deleterious"; PolyPhen-2: "Probably Damaging"; Align-GVGD: "Class C0"). ClinVar contains an entry for this variant (Variation ID: 1488442). This variant has not been reported in the literature in individuals affected with ARHGEF1-related conditions. This variant is present in population databases (rs782379982, gnomAD 0.002%).